The following is an entry in ClinVar:

NM_017780.4(CHD7):c.4778G>A (p.Arg1593His)

Gene: CHD7 (chromodomain helicase DNA binding protein 7; plus strand). Cytogenetic location: 8q12.2.
Variant type: single nucleotide variant.
Coding change: c.4778G>A on transcript NM_017780.4 (MANE Select); coding-DNA position 4778, G replaced by A.
Protein change: p.Arg1593His; replaces arginine 1593 with histidine.
Molecular consequence: missense variant. On other transcripts: intron variant (1).
Genome position (GRCh38, 1-based): chr8:60,841,980, G>A. VCF-style: chr8-60841980-G-A. GRCh37 (hg19) VCF-style: chr8-61754539-G-A.
Other names: c.1717-20249G>A (NM_001316690.1); c.4778G>A (NM_017780.2); short protein forms R1593H.
Identifiers: ClinVar variation 624327 (VCV000624327.56), dbSNP rs766632082, ClinGen allele CA4760191.
Genomic context (GRCh38, chr8:60,841,980, plus strand): 5'-TGATGGAGTTCTCAGACTTGGAAAGTGATTCTGAAGAAAAGCCCTGTGCAAAGCCACGGC[G>A]TCCCCAGGATAAGTCACAGGGCTATGCAAGGAGTGAATGTTTCAGGGTGGAGAAGAATCT-3'
Protein context (NP_060250.2, residues 1583-1603): SEEKPCAKPR[Arg1593His]PQDKSQGYAR

ClinVar aggregate classification (germline): Conflicting classifications of pathogenicity. Review status: criteria provided, conflicting classifications (1 of 4 stars). 6 submissions from 6 submitters: Uncertain significance (4); Likely benign (2). Last evaluated 2025-08-22.

Conditions:
CHARGE syndrome (CHARGE). Also called: Coloboma, heart anomaly, choanal atresia, retardation, genital and ear anomalies; CHARGE association; Hall-Hittner syndrome; Hittner Hirsch Kreh syndrome; CHARGE ASSOCIATION--COLOBOMA, HEART ANOMALY, CHOANAL ATRESIA, RETARDATION, GENITAL AND EAR ANOMALIES. Identifiers: Orphanet 138, MedGen C0265354, MONDO:0008965.
Hypogonadotropic hypogonadism 5 with or without anosmia (KAL5). Also called: HYPOGONADOTROPIC HYPOGONADISM 5 WITH ANOSMIA; HYPOGONADOTROPHIC HYPOGONADISM 5 WITHOUT ANOSMIA; CHD7-Related GnRH Deficiency (Kallmann Syndrome 5). Identifiers: Orphanet 478, MedGen C3552553, MONDO:0012880, OMIM 612370. Disease mechanism: loss of function.
CHD7-related disorder. Also called: CHD7-related condition.

Allele frequency attached by ClinVar (database versions not stated): gnomAD 0.00001; gnomAD exomes 0.00001 and 0.00003; ExAC 0.00003; TOPMed 0.00004.
gnomAD v4.1: 22 of 1,613,676 alleles (0.0014%); highest among the groups gnomAD compares: Admixed American, 0.0033%; no homozygotes.

Submissions (6):

Labcorp Genetics (formerly Invitae), Labcorp
Classification: Likely benign for CHARGE syndrome. Last evaluated: 2025-08-22. Review status: criteria provided, single submitter. Criteria: Invitae Variant Classification Sherloc (09022015). Collection method: clinical testing. Allele origin: germline.

GeneDx
Classification: Uncertain significance. Last evaluated: 2025-05-20. Review status: criteria provided, single submitter. Criteria: GeneDx Variant Classification Process June 2021. Collection method: clinical testing. Allele origin: germline. Affected: yes.
Comment: In silico analysis supports that this missense variant has a deleterious effect on protein structure/function; Has not been previously published as pathogenic or benign to our knowledge

PreventionGenetics, part of Exact Sciences
Classification: Uncertain significance for CHD7-related condition. Last evaluated: 2025-04-30. Review status: criteria provided, single submitter. Criteria: ACMG Guidelines, 2015. Collection method: clinical testing. Allele origin: germline.
Comment: The CHD7 c.4778G>A variant is predicted to result in the amino acid substitution p.Arg1593His. To our knowledge, this variant has not been reported in the literature. This variant is reported in 0.0065% of alleles in individuals of African descent in gnomAD. At this time, the clinical significance of this variant is uncertain due to the absence of conclusive functional and genetic evidence.

Fulgent Genetics
Classification: Uncertain significance for CHD7-related CHARGE syndrome; Hypogonadotropic hypogonadism 5 with or without anosmia. Last evaluated: 2021-12-15. Review status: criteria provided, single submitter. Criteria: ACMG Guidelines, 2015. Collection method: clinical testing. Allele origin: unknown.

Blueprint Genetics
Classification: Likely benign. Last evaluated: 2021-04-29. Review status: criteria provided, single submitter. Criteria: ACMG Guidelines, 2015. Collection method: clinical testing. Allele origin: germline.

CeGaT Center for Human Genetics Tuebingen
Classification: Uncertain significance. Last evaluated: 2018-07-01. Review status: criteria provided, single submitter. Criteria: CeGaT Center For Human Genetics Tuebingen Variant Classification Criteria Version 2. Collection method: clinical testing. Allele origin: germline. Affected: yes. Observed: 2 variant alleles.